The following is an entry in ClinVar:

NM_005337.5(NCKAP1L):c.196G>C (p.Asp66His)

Gene: NCKAP1L (NCK associated protein 1 like; plus strand). Cytogenetic location: 12q13.13.
Variant type: single nucleotide variant.
Coding change: c.196G>C on transcript NM_005337.5 (MANE Select); coding-DNA position 196, G replaced by C.
Protein change: p.Asp66His; replaces aspartic acid 66 with histidine.
Molecular consequence: missense variant.
Genome position (GRCh38, 1-based): chr12:54,499,448, G>C. VCF-style: chr12-54499448-G-C. GRCh37 (hg19) VCF-style: chr12-54893232-G-C.
Other names: c.46G>C, p.Asp16His (NM_001184976.2); c.196G>C (NM_005337.4); short protein forms D66H, D16H.
Identifiers: ClinVar variation 2045630 (VCV002045630.7), dbSNP rs77427130, ClinGen allele CA6608732.
Genomic context (GRCh38, chr12:54,499,448, plus strand): 5'-TTACTGGAAAAGTCCATGGAACCATCTCTCAAGTATATCAACAAGAAATTTCCCAACATA[G>C]ATGTCCGAAACAGCACGGTGAGAACTTGGTCCTTCTCTCCTTTCTCTGAATAATTCTCTG-3'
Protein context (NP_005328.2, residues 56-76): KYINKKFPNI[Asp66His]VRNSTQHLGP

ClinVar aggregate classification (germline): Benign/Likely benign. Review status: criteria provided, multiple submitters, no conflicts (2 of 4 stars). 3 submissions from 3 submitters: Benign (1); Likely benign (1). 1 of the submissions does not count toward it. Last evaluated 2026-01-26.

Conditions:
NCKAP1L-related disorder. Also called: NCKAP1L-related condition.

Allele frequency attached by ClinVar (database versions not stated): gnomAD exomes 0.00019; ExAC 0.00056; ESP Exome Variant Server 0.00192; gnomAD 0.00248; 1000 Genomes Project 0.00260; TOPMed 0.00275; 1000 Genomes Project 30x 0.00328.
gnomAD v4.1: 655 of 1,590,452 alleles (0.041%); highest among the groups gnomAD compares: African/African-American, 0.81%; 2 homozygotes.

Submissions (3):

Labcorp Genetics (formerly Invitae), Labcorp
Classification: Benign. Last evaluated: 2026-01-26. Review status: criteria provided, single submitter. Criteria: Invitae Variant Classification Sherloc (09022015). Collection method: clinical testing. Allele origin: germline.

Blueprint Genetics
Classification: Likely benign. Last evaluated: 2024-11-14. Review status: criteria provided, single submitter. Criteria: ACMG Guidelines, 2015. Collection method: clinical testing. Allele origin: germline.

PreventionGenetics, part of Exact Sciences
Classification: Likely benign for NCKAP1L-related condition. Last evaluated: 2023-11-02. Review status: no assertion criteria provided. Collection method: clinical testing. Allele origin: germline. Not counted in ClinVar's aggregate classification.
Comment: This variant is classified as likely benign based on ACMG/AMP sequence variant interpretation guidelines (Richards et al. 2015 PMID: 25741868, with internal and published modifications).